The following is an entry in ClinVar:

ClinVar aggregate classification (germline): Uncertain significance (1 of 4 stars; one submission).

Conditions:
Pitt-Hopkins-like syndrome 2 (PTHSL2). Identifiers: Orphanet 221150, Orphanet 600663, MedGen C3280479, MONDO:0013690, OMIM 614325.

Allele frequency attached by ClinVar (database versions not stated): gnomAD 0.00003; TOPMed 0.00004.
gnomAD v4.1: 8 of 1,613,850 alleles (0.0005%); highest among the groups gnomAD compares: Admixed American, 0.013%; no homozygotes.

Submission:

Labcorp Genetics (formerly Invitae), Labcorp
Classification: Uncertain significance for Pitt-Hopkins-like syndrome 2. Last evaluated: 2024-06-28. Review status: criteria provided, single submitter. Criteria: Invitae Variant Classification Sherloc (09022015). Collection method: clinical testing. Allele origin: germline.
Comment: This sequence change replaces isoleucine, which is neutral and non-polar, with threonine, which is neutral and polar, at codon 696 of the NRXN1 protein (p.Ile696Thr). This variant is present in population databases (no rsID available, gnomAD 0.009%). This variant has not been reported in the literature in individuals affected with NRXN1-related conditions. An algorithm developed to predict the effect of missense changes on protein structure and function (PolyPhen-2) suggests that this variant is likely to be disruptive. In summary, the available evidence is currently insufficient to determine the role of this variant in disease. Therefore, it has been classified as a Variant of Uncertain Significance.

NM_001330078.2(NRXN1):c.1967T>C (p.Ile656Thr)

Gene: NRXN1 (neurexin 1; minus strand). Cytogenetic location: 2p16.3.
Variant type: single nucleotide variant.
Coding change: c.1967T>C on transcript NM_001330078.2 (MANE Select); coding-DNA position 1967, T replaced by C.
Protein change: p.Ile656Thr; replaces isoleucine 656 with threonine.
Molecular consequence: missense variant.
Genome position (GRCh38, 1-based): chr2:50,538,429, A>G on the plus strand (T>C on the coding strand, the complement: NRXN1 is on the minus strand). VCF-style: chr2-50538429-A-G. GRCh37 (hg19) VCF-style: chr2-50765567-A-G.
Other names: c.2087T>C, p.Ile696Thr (NM_001135659.3); c.1943T>C, p.Ile648Thr (NM_001330077.2, NM_001330082.2, NM_001330095.2); c.1928T>C, p.Ile643Thr (NM_001330083.2, NM_001330084.2); c.1967T>C, p.Ile656Thr (NM_001330085.2, NM_001330086.2, NM_004801.6); c.1883T>C, p.Ile628Thr (NM_001330087.2, NM_001330096.2); c.1913T>C, p.Ile638Thr (NM_001330088.2); c.1964T>C, p.Ile655Thr (NM_001330093.2); c.1955T>C, p.Ile652Thr (NM_001330094.2); short protein forms I648T, I643T, I628T, I638T, I656T, I696T, I652T, I655T.
Identifiers: ClinVar variation 2998859 (VCV002998859.3), dbSNP rs1192752829, ClinGen allele CA346770783.
Genomic context (GRCh38, chr2:50,538,429, plus strand): 5'-GTTTCCTTTGAGCAGGAAGGCTTCACTCCAGCAGTACTTTGAACTTCAGCCATTTGCCGG[A>G]TATCTTTGCTTTGGCCATCGATGAACAAATCCCTGATGCAGCCCACGTAGCCATAGTTGA-3'
Protein context (NP_001317007.1, residues 646-666): DLFIDGQSKD[Ile656Thr]RQMAEVQSTA